The following is an entry in ClinVar:

NM_000273.3(GPR143):c.1045G>A (p.Glu349Lys)

Gene: GPR143 (G protein-coupled receptor 143; minus strand). Cytogenetic location: Xp22.2.
Variant type: single nucleotide variant.
Coding change: c.1045G>A on transcript NM_000273.3 (MANE Select); coding-DNA position 1045, G replaced by A.
Protein change: p.Glu349Lys; replaces glutamic acid 349 with lysine.
Molecular consequence: missense variant.
Genome position (GRCh38, 1-based): chrX:9,739,560, C>T on the plus strand (G>A on the coding strand, the complement: GPR143 is on the minus strand). VCF-style: chrX-9739560-C-T. GRCh37 (hg19) VCF-style: chrX-9707600-C-T.
Other names: short protein forms E349K.
Identifiers: ClinVar variation 769486 (VCV000769486.11), dbSNP rs138809166, ClinGen allele CA10344902.

ClinVar aggregate classification (germline): Conflicting classifications of pathogenicity. Review status: criteria provided, conflicting classifications (1 of 4 stars). 4 submissions from 4 submitters: Uncertain significance (1); Benign (1); Likely benign (1). 1 of the submissions does not count toward it. Last evaluated 2025-12-16.

Conditions:
Inborn genetic diseases. Identifiers: MedGen C0950123, MeSH D030342.

Allele frequency attached by ClinVar (database versions not stated): gnomAD exomes 0.00035 and 0.00040; ExAC 0.00042; gnomAD 0.00017 and 0.00018; TOPMed 0.00017; ESP Exome Variant Server 0.00019.
gnomAD v4.1: 457 of 1,209,474 alleles (0.038%); highest among the groups gnomAD compares: South Asian, 0.056%; no homozygotes.

Submissions (4):

Labcorp Genetics (formerly Invitae), Labcorp
Classification: Benign. Last evaluated: 2025-12-16. Review status: criteria provided, single submitter. Criteria: Invitae Variant Classification Sherloc (09022015). Collection method: clinical testing. Allele origin: germline.

Blueprint Genetics
Classification: Likely benign. Last evaluated: 2024-11-21. Review status: criteria provided, single submitter. Criteria: ACMG Guidelines, 2015. Collection method: clinical testing. Allele origin: germline.

Ambry Genetics
Classification: Uncertain significance for Inborn genetic diseases. Last evaluated: 2022-10-25. Review status: criteria provided, single submitter. Criteria: Ambry Variant Classification Scheme 2023. Collection method: clinical testing. Allele origin: germline.

Department of Pathology and Laboratory Medicine, Sinai Health System
Classification: Benign. Review status: no assertion criteria provided. Collection method: clinical testing. Allele origin: unknown. Affected: yes. Study: The Canadian Open Genetics Repository (COGR). Not counted in ClinVar's aggregate classification.
Comment: The GPR143 p.Glu349Lys variant was not identified in the literature but was identified in dbSNP (ID: rs138809166) and ClinVar (classified as benign by Invitae). The variant was identified in control databases in 70 of 203067 chromosomes (30 hemizygous) at a frequency of 0.0003447 (Genome Aggregation Database March 6, 2019, v2.1.1). The variant was observed in the following populations: Other in 3 of 5260 chromosomes (freq: 0.00057), European (non-Finnish) in 49 of 91507 chromosomes (freq: 0.000536), South Asian in 9 of 18668 chromosomes (freq: 0.000482), European (Finnish) in 5 of 18366 chromosomes (freq: 0.000272), Latino in 3 of 27906 chromosomes (freq: 0.000108) and African in 1 of 18980 chromosomes (freq: 0.000053), but was not observed in the Ashkenazi Jewish or East Asian populations. The p.Glu349 residue is conserved in mammals but not in more distantly related organisms however computational analyses (PolyPhen-2, SIFT, AlignGVGD, BLOSUM, MutationTaster) do not suggest a high likelihood of impact to the protein; this information is not predictive enough to rule out pathogenicity. The variant occurs outside of the splicing consensus sequence and in silico or computational prediction software programs (SpliceSiteFinder, MaxEntScan, NNSPLICE, GeneSplicer) do not predict a difference in splicing. In summary, based on the above information this variant meets our laboratory's criteria to be classified as benign.